The following is an entry in ClinVar:

NM_018979.4(WNK1):c.4837G>A (p.Val1613Ile)

Gene: WNK1 (WNK lysine deficient protein kinase 1; plus strand). Cytogenetic location: 12p13.33.
Variant type: single nucleotide variant.
Coding change: c.4837G>A on transcript NM_018979.4 (MANE Select); coding-DNA position 4837, G replaced by A.
Protein change: p.Val1613Ile; replaces valine 1613 with isoleucine.
Molecular consequence: missense variant.
Genome position (GRCh38, 1-based): chr12:885,641, G>A. VCF-style: chr12-885641-G-A. GRCh37 (hg19) VCF-style: chr12-994807-G-A.
Other names: c.5617G>A, p.Val1873Ile (NM_001184985.2); c.4096G>A, p.Val1366Ile (NM_014823.3); c.5593G>A, p.Val1865Ile (NM_213655.5); short protein forms V1865I, V1613I, V1873I, V1366I.
Identifiers: ClinVar variation 2946146 (VCV002946146.3), dbSNP rs1263363844, ClinGen allele CA383332028.

ClinVar aggregate classification (germline): Uncertain significance (1 of 4 stars; one submission).

Conditions:
Neuropathy, hereditary sensory and autonomic, type 2A (HSAN2A). Also called: ACROOSTEOLYSIS, GIACCAI TYPE; ACROOSTEOLYSIS, NEUROGENIC; MORVAN DISEASE; NEUROPATHY, CONGENITAL SENSORY; NEUROPATHY, HEREDITARY SENSORY RADICULAR, AUTOSOMAL RECESSIVE; NEUROPATHY, HEREDITARY SENSORY, TYPE IIA. Identifiers: Orphanet 970, MedGen C2752089, MONDO:0024309, OMIM 201300.
Pseudohypoaldosteronism type 2C (PHA2C). Also called: Pseudohypoaldosteronism Type IIC. Identifiers: Orphanet 757, Orphanet 88940, MedGen C1840391, MONDO:0013778, OMIM 614492.

Allele frequency attached by ClinVar (database versions not stated): TOPMed below 0.00001; gnomAD 0.00001.
gnomAD v4.1: 2 of 1,614,032 alleles (0.00012%); highest among the groups gnomAD compares: Non-Finnish European, 0.00017%; no homozygotes.

Submission:

Labcorp Genetics (formerly Invitae), Labcorp
Classification: Uncertain significance for Neuropathy, hereditary sensory and autonomic, type 2A; Pseudohypoaldosteronism type 2C. Last evaluated: 2023-04-05. Review status: criteria provided, single submitter. Criteria: Invitae Variant Classification Sherloc (09022015). Collection method: clinical testing. Allele origin: germline.
Comment: In summary, the available evidence is currently insufficient to determine the role of this variant in disease. Therefore, it has been classified as a Variant of Uncertain Significance. Advanced modeling of protein sequence and biophysical properties (such as structural, functional, and spatial information, amino acid conservation, physicochemical variation, residue mobility, and thermodynamic stability) performed at Invitae indicates that this missense variant is not expected to disrupt WNK1 protein function. This variant has not been reported in the literature in individuals affected with WNK1-related conditions. This variant is not present in population databases (gnomAD no frequency). This sequence change replaces valine, which is neutral and non-polar, with isoleucine, which is neutral and non-polar, at codon 1865 of the WNK1 protein (p.Val1865Ile).